The following is an entry in ClinVar:

ClinVar aggregate classification (germline): Uncertain significance. Review status: criteria provided, multiple submitters, no conflicts (2 of 4 stars). 2 submissions from 2 submitters: Uncertain significance (2). Last evaluated 2021-08-24.

Allele frequency attached by ClinVar (database versions not stated): ExAC 0.00001; TOPMed 0.00001; gnomAD 0.00002 and 0.00003; 1000 Genomes Project 30x 0.00016; 1000 Genomes Project 0.00020.
gnomAD v4.1: 9 of 1,612,578 alleles (0.00056%); highest among the groups gnomAD compares: Non-Finnish European, 0.00076%; no homozygotes.

Submissions (2):

Labcorp Genetics (formerly Invitae), Labcorp
Classification: Uncertain significance. Last evaluated: 2021-08-24. Review status: criteria provided, single submitter. Criteria: Invitae Variant Classification Sherloc (09022015). Collection method: clinical testing. Allele origin: germline.
Comment: This sequence change replaces glutamic acid with lysine at codon 107 of the GPC6 protein (p.Glu107Lys). The glutamic acid residue is moderately conserved and there is a small physicochemical difference between glutamic acid and lysine. This variant also falls at the last nucleotide of exon 2, which is part of the consensus splice site for this exon. This variant is present in population databases (rs183576975, ExAC 0.001%). This variant has not been reported in the literature in individuals affected with GPC6-related conditions. Algorithms developed to predict the effect of missense changes on protein structure and function are either unavailable or do not agree on the potential impact of this missense change (SIFT: "Deleterious"; PolyPhen-2: "Benign"; Align-GVGD: "Class C0"). Variants that disrupt the consensus splice site are a relatively common cause of aberrant splicing (PMID: 17576681, 9536098). Algorithms developed to predict the effect of sequence changes on RNA splicing suggest that this variant may disrupt the consensus splice site. In summary, the available evidence is currently insufficient to determine the role of this variant in disease. Therefore, it has been classified as a Variant of Uncertain Significance.

Breakthrough Genomics
Classification: Uncertain significance. Review status: criteria provided, single submitter. Criteria: ACMG Guidelines, 2015. Collection method: not provided. Allele origin: germline. Inheritance: Autosomal recessive inheritance. Affected: yes.

Literature cited by the submitters: PubMed 17576681 (cited by Labcorp Genetics (formerly Invitae), Labcorp); PubMed 9536098 (cited by Labcorp Genetics (formerly Invitae), Labcorp).

NM_005708.5(GPC6):c.319G>A (p.Glu107Lys)

Gene: GPC6 (glypican 6; plus strand). Cytogenetic location: 13q31.3.
Variant type: single nucleotide variant.
Coding change: c.319G>A on transcript NM_005708.5 (MANE Select); coding-DNA position 319, G replaced by A.
Protein change: p.Glu107Lys; replaces glutamic acid 107 with lysine.
Molecular consequence: missense variant.
Genome position (GRCh38, 1-based): chr13:93,545,421, G>A. VCF-style: chr13-93545421-G-A. GRCh37 (hg19) VCF-style: chr13-94197674-G-A.
Other names: short protein forms E107K.
Identifiers: ClinVar variation 1405041 (VCV001405041.6), dbSNP rs183576975, ClinGen allele CA7016826.
Genomic context (GRCh38, chr13:93,545,421, plus strand): 5'-GTGGAAGAGACAAGCCATTTTGTGCGCACCACTTTTGTGTCCAGGCATAAGAAATTTGAC[G>A]GTAGGTGAAATGGTTTTCACTTCAGTTTGTTATAGGTGCACTTTTCTATGAGAATCTTGG-3'
Protein context (NP_005699.1, residues 97-117): TFVSRHKKFD[Glu107Lys]FFRELLENAE